The following is an entry in ClinVar:

ClinVar aggregate classification (germline): Likely benign (1 of 4 stars; one submission).

gnomAD v4.1: 125 of 1,613,970 alleles (0.0077%); highest among the groups gnomAD compares: East Asian, 0.2%; no homozygotes.

Submission:

CeGaT Center for Human Genetics Tuebingen
Classification: Likely benign. Last evaluated: 2025-10-01. Review status: criteria provided, single submitter. Criteria: CeGaT Center For Human Genetics Tuebingen Variant Classification Criteria Version 2. Collection method: clinical testing. Allele origin: germline. Affected: yes. Observed: 1 variant allele.
Comment: ZNF462: BP4, BP7

NM_021224.6(ZNF462):c.4863C>T (p.Pro1621=)

Gene: ZNF462 (zinc finger protein 462; plus strand). Cytogenetic location: 9q31.2.
Variant type: single nucleotide variant.
Coding change: c.4863C>T on transcript NM_021224.6 (MANE Select); coding-DNA position 4863, C replaced by T.
Protein change: p.Pro1621=; no amino-acid change (proline 1621 retained).
Molecular consequence: synonymous variant. On other transcripts: intron variant (1).
Genome position (GRCh38, 1-based): chr9:106,928,775, C>T. VCF-style: chr9-106928775-C-T. GRCh37 (hg19) VCF-style: chr9-109691056-C-T.
Other names: c.3252+1611C>T (NM_001347997.2).
Identifiers: ClinVar variation 4533975 (VCV004533975.6).